The following is an entry in ClinVar:

NM_000398.7(CYB5R3):c.700A>G (p.Lys234Glu)

Gene: CYB5R3 (cytochrome b5 reductase 3; minus strand). Cytogenetic location: 22q13.2.
Variant type: single nucleotide variant.
Coding change: c.700A>G on transcript NM_000398.7 (MANE Select); coding-DNA position 700, A replaced by G.
Protein change: p.Lys234Glu; replaces lysine 234 with glutamic acid.
Molecular consequence: missense variant.
Genome position (GRCh38, 1-based): chr22:42,623,822, T>C on the plus strand (A>G on the coding strand, the complement: CYB5R3 is on the minus strand). VCF-style: chr22-42623822-T-C. GRCh37 (hg19) VCF-style: chr22-43019828-T-C.
Other names: c.700A>G, p.Lys234Glu (NM_001031678.1); c.631A>G, p.Lys211Glu (NM_001129819.2, NM_001171661.1, NM_007326.4); c.799A>G, p.Lys267Glu (NM_001171660.2); short protein forms K211E, K234E, K267E.
Identifiers: ClinVar variation 1721067 (VCV001721067.5), dbSNP rs2518888073, ClinGen allele CA411796406.
Genomic context (GRCh38, chr22:42,623,822, plus strand): 5'-ACCCAGTGAGGGGCCTCCCTCACTCACCTTCAGGGGCTCTGTCCAGCGTGTACCAGAGCT[T>C]GAAGCGTGCAGAATGTTTGTTCCTGAGTTCCTCCAGCTCAGGTCGCAGCAGGATGTCCTT-3'
Protein context (NP_000389.1, residues 224-244): ELRNKHSARF[Lys234Glu]LWYTLDRAPE

ClinVar aggregate classification (germline): Uncertain significance (1 of 4 stars; one submission).

Submission:

Labcorp Genetics (formerly Invitae), Labcorp
Classification: Uncertain significance. Last evaluated: 2023-03-12. Review status: criteria provided, single submitter. Criteria: Invitae Variant Classification Sherloc (09022015). Collection method: clinical testing. Allele origin: germline.
Comment: In summary, the available evidence is currently insufficient to determine the role of this variant in disease. Therefore, it has been classified as a Variant of Uncertain Significance. Advanced modeling of protein sequence and biophysical properties (such as structural, functional, and spatial information, amino acid conservation, physicochemical variation, residue mobility, and thermodynamic stability) performed at Invitae indicates that this missense variant is not expected to disrupt CYB5R3 protein function. ClinVar contains an entry for this variant (Variation ID: 1721067). This variant has not been reported in the literature in individuals affected with CYB5R3-related conditions. This variant is not present in population databases (gnomAD no frequency). This sequence change replaces lysine, which is basic and polar, with glutamic acid, which is acidic and polar, at codon 234 of the CYB5R3 protein (p.Lys234Glu).